The following is an entry in ClinVar:

ClinVar aggregate classification (germline): Pathogenic/Likely pathogenic. Review status: criteria provided, multiple submitters, no conflicts (2 of 4 stars). 4 submissions from 4 submitters: Pathogenic (2); Likely pathogenic (2). Last evaluated 2026-09-14.

Conditions:
COL11A1-related disorder. Also called: COL11A1-related disorders; COL11A1-related condition.
Stickler syndrome. Identifiers: Orphanet 828, MedGen C0265253, MONDO:0019354.

Allele frequency attached by ClinVar (database versions not stated): gnomAD exomes below 0.00001 and 0.00001; TOPMed below 0.00001; ExAC 0.00001; gnomAD 0.00001.

Submissions (4):

GeneDx
Classification: Likely pathogenic. Last evaluated: 2026-09-14. Review status: criteria provided, single submitter. Criteria: GeneDx Variant Classification Process June 2021. Collection method: clinical testing. Allele origin: germline.
Comment: Nonsense variant predicted to result in protein truncation or nonsense mediated decay in a gene for which loss of function is a known mechanism of disease; Not observed at significant frequency in large population cohorts (gnomAD); Has not been previously published as pathogenic or benign to our knowledge

Women's Health and Genetics/Laboratory Corporation of America, LabCorp
Classification: Pathogenic for Stickler syndrome. Last evaluated: 2026-02-03. Review status: criteria provided, single submitter. Criteria: LabCorp Variant Classification Summary - May 2015. Collection method: clinical testing. Allele origin: germline.
Comment: Variant summary: COL11A1 c.1003G>T (p.Glu335X) results in a premature termination codon, predicted to cause a truncation of the encoded protein or absence of the protein due to nonsense mediated decay, which are commonly known mechanisms for disease. Loss-of-function variants in this gene are known to cause disease. The variant allele was found at a frequency of 4e-06 in 250252 control chromosomes. To our knowledge, no occurrence of c.1003G>T in individuals affected with COL11A1-related conditions and no experimental evidence demonstrating its impact on protein function have been reported. ClinVar contains an entry for this variant (Variation ID: 632076). Based on the evidence outlined above, the variant was classified as pathogenic.

Labcorp Genetics (formerly Invitae), Labcorp
Classification: Pathogenic. Last evaluated: 2025-10-16. Review status: criteria provided, single submitter. Criteria: Invitae Variant Classification Sherloc (09022015). Collection method: clinical testing. Allele origin: germline.
Comment: This sequence change creates a premature translational stop signal (p.Glu335*) in the COL11A1 gene. It is expected to result in an absent or disrupted protein product. Loss-of-function variants in COL11A1 are known to be pathogenic (PMID: 20513134, 21035103, 23922384, 25240749, 32427345, 32756486). This variant is present in population databases (rs776004614, gnomAD 0.0009%). This variant has not been reported in the literature in individuals affected with COL11A1-related conditions. ClinVar contains an entry for this variant (Variation ID: 632076). Algorithms developed to predict the effect of sequence changes on RNA splicing suggest that this variant may disrupt the consensus splice site. For these reasons, this variant has been classified as Pathogenic.

Illumina Laboratory Services, Illumina
Classification: Likely pathogenic for COL11A1-related disorders. Last evaluated: 2023-05-24. Review status: criteria provided, single submitter. Criteria: ICSLVariantClassificationCriteria RUGD 01 April 2020. Collection method: clinical testing. Allele origin: unknown.

Literature cited by the submitters: PubMed 20513134 (cited by Labcorp Genetics (formerly Invitae), Labcorp); PubMed 21035103 (cited by Labcorp Genetics (formerly Invitae), Labcorp); PubMed 23922384 (cited by Labcorp Genetics (formerly Invitae), Labcorp); PubMed 25240749 (cited by Labcorp Genetics (formerly Invitae), Labcorp); PubMed 32427345 (cited by Labcorp Genetics (formerly Invitae), Labcorp); PubMed 32756486 (cited by Labcorp Genetics (formerly Invitae), Labcorp).

NM_001854.4(COL11A1):c.1003G>T (p.Glu335Ter)

Gene: COL11A1 (collagen type XI alpha 1 chain; minus strand). Cytogenetic location: 1p21.1.
Variant type: single nucleotide variant.
Coding change: c.1003G>T on transcript NM_001854.4 (MANE Select); coding-DNA position 1003, G replaced by T.
Protein change: p.Glu335Ter; replaces glutamic acid 335 with a stop codon.
Molecular consequence: nonsense. On other transcripts: non-coding transcript variant (1), intron variant (1).
Genome position (GRCh38, 1-based): chr1:103,022,984, C>A on the plus strand (G>T on the coding strand, the complement: COL11A1 is on the minus strand). VCF-style: chr1-103022984-C-A. GRCh37 (hg19) VCF-style: chr1-103488540-C-A.
Other names: c.886G>T, p.Glu296Ter (NM_001190709.2); c.1039G>T, p.Glu347Ter (NM_080629.3); c.898-1215G>T (NM_080630.4); short protein forms E335*, E347*, E296*.
Identifiers: ClinVar variation 632076 (VCV000632076.19), dbSNP rs776004614, ClinGen allele CA975138.